The following is an entry in ClinVar:

ClinVar aggregate classification (germline): Pathogenic. Review status: criteria provided, multiple submitters, no conflicts (2 of 4 stars). 2 submissions from 2 submitters: Pathogenic (2). Last evaluated 2025-02-06.

Conditions:
Primary ciliary dyskinesia. Also called: Ciliary dyskinesia. Identifiers: Orphanet 244, MedGen C0008780, MONDO:0016575, HP:0012265.

Submissions (2):

Natera, Inc.
Classification: Pathogenic for Primary ciliary dyskinesia. Last evaluated: 2025-02-06. Review status: criteria provided, single submitter. Criteria: Natera Variant Classification Schema (03/2026). Collection method: clinical testing. Allele origin: germline.
Comment: The c.885dup variant in DNAH5 is a frameshift variant predicted to shift the reading frame beginning at codon 296 and leads to a stop codon 3 codons downstream. This variant is expected to result in nonsense mediated decay, truncation, or a dysfunctional protein product. This variant is rare in the general population with a frequency below the threshold expected for the associated phenotype(s). This variant has been observed in one or more individuals affected with the associated recessive disease, as either homozygous or compound heterozygous with a second variant (PMID: 37860582). Given the available evidence, this variant is classified as Pathogenic.

Labcorp Genetics (formerly Invitae), Labcorp
Classification: Pathogenic for Primary ciliary dyskinesia. Last evaluated: 2023-09-29. Review status: criteria provided, single submitter. Criteria: Invitae Variant Classification Sherloc (09022015). Collection method: clinical testing. Allele origin: germline.
Comment: This variant is not present in population databases (gnomAD no frequency). For these reasons, this variant has been classified as Pathogenic. This premature translational stop signal has been observed in individual(s) with DNAH5-related conditions (PMID: 31638833). This sequence change creates a premature translational stop signal (p.Lys296Glnfs*3) in the DNAH5 gene. It is expected to result in an absent or disrupted protein product. Loss-of-function variants in DNAH5 are known to be pathogenic (PMID: 11788826, 16627867).

Literature cited by the submitters: PubMed 37860582 (cited by Natera, Inc.); PubMed 31638833 (cited by Labcorp Genetics (formerly Invitae), Labcorp); PubMed 11788826 (cited by Labcorp Genetics (formerly Invitae), Labcorp); PubMed 16627867 (cited by Labcorp Genetics (formerly Invitae), Labcorp).

NM_001369.3(DNAH5):c.885dup (p.Lys296fs)

Gene: DNAH5 (dynein axonemal heavy chain 5; minus strand). Cytogenetic location: 5p15.2.
Variant type: Duplication.
Coding change: c.885dup on transcript NM_001369.3 (MANE Select); coding-DNA position 885, one base duplicated (C; older notation c.885dupC).
Protein change: p.Lys296fs; shifts the reading frame from lysine 296.
Molecular consequence: frameshift variant.
Genome position (GRCh38, 1-based): chr5:13,919,266, G duplicated on the plus strand (C on the coding strand, the reverse complement: DNAH5 is on the minus strand); the first of 2 consecutive G bases (chr5:13,919,266-13,919,267); duplicating either gives the same sequence. VCF-style (leftmost placement, unchanged base first): chr5-13919265-T-TG. GRCh37 (hg19) VCF-style: chr5-13919374-T-TG.
Other names: c.885dup (NM_001369.2); short protein forms K296fs.
Identifiers: ClinVar variation 2894365 (VCV002894365.6), dbSNP rs2547144420, ClinGen allele CA2578271238.